The following is an entry in ClinVar:

NM_000368.5(TSC1):c.2242del (p.Gln748fs)

Gene: TSC1 (TSC complex subunit 1; minus strand). Cytogenetic location: 9q34.13.
Variant type: Deletion.
Coding change: c.2242del on transcript NM_000368.5 (MANE Select); coding-DNA position 2242, one base deleted (C; older notation c.2242delC).
Protein change: p.Gln748fs; shifts the reading frame from glutamine 748.
Molecular consequence: frameshift variant.
Genome position (GRCh38, 1-based): chr9:132,902,754, G deleted on the plus strand (C on the coding strand, the reverse complement: TSC1 is on the minus strand); the first of 2 consecutive G bases (chr9:132,902,754-132,902,755); deleting either gives the same sequence. VCF-style (leftmost placement, unchanged base first): chr9-132902753-TG-T. GRCh37 (hg19) VCF-style: chr9-135778140-TG-T.
Other names: c.2239del, p.Gln747fs (NM_001162426.2); c.2089del, p.Gln697fs (NM_001162427.2); c.1879del, p.Gln627fs (NM_001362177.2); c.2241delC, p.Gln748Argfs (NM_001406592.1, NM_001406593.1, NM_001406594.1 and 5 more transcripts); c.2238delC, p.Gln747Argfs (NM_001406597.1, NM_001406598.1, NM_001406599.1 and 3 more transcripts); c.2226delC, p.Gln743Argfs (NM_001406601.1, NM_001406602.1); c.2223delC, p.Gln742Argfs (NM_001406603.1, NM_001406604.1); c.2088delC, p.Gln697Argfs (NM_001406610.1); and 6 more; short protein forms Q627fs, Q697fs, Q747fs, Q748fs.
Identifiers: ClinVar variation 1709443 (VCV001709443.3), dbSNP rs2538623662, ClinGen allele CA2580080148.

ClinVar aggregate classification (germline): Likely pathogenic. Review status: criteria provided, multiple submitters, no conflicts (2 of 4 stars). 2 submissions from 2 submitters: Likely pathogenic (2). Last evaluated 2024-04-12.

Conditions:
TSC1-related disorder. Also called: TSC1-related condition.
Tuberous sclerosis 1 (TSC1). Identifiers: Orphanet 805, MedGen C1854465, MONDO:0008612, OMIM 191100.

Submissions (2):

Blueprint Genetics
Classification: Likely pathogenic for TSC1-related disorders. Last evaluated: 2024-04-12. Review status: criteria provided, single submitter. Criteria: ACMG Guidelines, 2015. Collection method: clinical testing. Allele origin: germline. Affected: yes. Observed: 1 variant allele.

MGZ Medical Genetics Center
Classification: Likely pathogenic for Tuberous sclerosis 1. Last evaluated: 2022-05-18. Review status: criteria provided, single submitter. Criteria: ACMG Guidelines, 2015. Collection method: clinical testing. Allele origin: germline. Affected: yes. Observed: 1 variant allele.
Comment: ACMG criteria applied: PVS1, PM2_SUP